The following is an entry in ClinVar:

NM_170707.4(LMNA):c.365A>G (p.Lys122Arg)

Genes: LMNA (lamin A/C; plus strand), LOC126805877 (MED14-independent group 3 enhancer GRCh37_chr1:156099693-156100892; plus strand). Cytogenetic location: 1q22.
Variant type: single nucleotide variant.
Coding change: c.365A>G on transcript NM_170707.4 (MANE Select); coding-DNA position 365, A replaced by G.
Protein change: p.Lys122Arg; replaces lysine 122 with arginine.
Molecular consequence: missense variant. On other transcripts: 5 prime UTR variant (7), intron variant (4).
Genome position (GRCh38, 1-based): chr1:156,130,625, A>G. VCF-style: chr1-156130625-A-G. GRCh37 (hg19) VCF-style: chr1-156100416-A-G.
Other names: c.29A>G, p.Lys10Arg (NM_001257374.3, NM_001406989.1, NM_001406998.1); c.122A>G, p.Lys41Arg (NM_001282624.2, NM_001406986.1, NM_001406987.1); c.365A>G, p.Lys122Arg (NM_001282625.2, NM_001282626.2, NM_001406983.1 and 6 more transcripts); c.68A>G, p.Lys23Arg (NM_001406988.1); c.-194A>G (NM_001406993.1, NM_001406996.1, NM_001406997.1 and 1 more transcripts); c.-300A>G (NM_001406994.1, NM_001406999.1, NM_001407000.1); c.-45-3778A>G (NM_001407002.1, NM_001406995.1, NM_001406990.1); c.-151-3778A>G (NM_001407001.1); short protein forms K10R, K122R, K23R, K41R.
Identifiers: ClinVar variation 2671668 (VCV002671668.1), dbSNP rs2527935282, ClinGen allele CA342815001.
Genomic context (GRCh38, chr1:156,130,625, plus strand): 5'-TCTAGGCACACAGACTCCTTCTCTTAAATCTACTCTCCCCTCTCTTCTTTAGCAATACCA[A>G]GAAGGAGGGTGACCTGATAGCTGCTCAGGCTCGGCTGAAGGACCTGGAGGCTCTGCTGAA-3'
Protein context (NP_733821.1, residues 112-132): EFKELKARNT[Lys122Arg]KEGDLIAAQA

ClinVar aggregate classification (germline): Uncertain significance (1 of 4 stars; one submission).

Conditions:
Mandibuloacral dysplasia with type A lipodystrophy (MADA). Also called: LIPODYSTROPHY, TYPE A, ASSOCIATED WITH MANDIBULOACRAL DYSPLASIA; CRANIOMANDIBULAR DERMATODYSOSTOSIS. Identifiers: Orphanet 2457, Orphanet 90153, MedGen C5399785, MONDO:0009557, OMIM 248370.

Submission:

Neuberg Centre For Genomic Medicine, NCGM
Classification: Uncertain significance for Mandibuloacral dysplasia with type A lipodystrophy. Last evaluated: 2023-03-01. Review status: criteria provided, single submitter. Criteria: ACMG Guidelines, 2015. Collection method: clinical testing. Allele origin: germline. Inheritance: Autosomal recessive inheritance. Affected: yes.
Comment: The missense variant c.365A>G (p.Lys122Arg) in the LMNA gene has not been reported previously as a pathogenic variant nor as a benign variant, to our knowledge. This variant is novel (not in any individuals) in gnomAD Exomes and 1000 Genomes. The amino acid Lysine at position 122 is changed to a Arginine changing protein sequence and it might alter its composition and physico-chemical properties. The variant is predicted as damaging by SIFT. The amino acid change p.Lys122Arg in LMNA is predicted as conserved by GERP++ and PhyloP across 100 vertebrates. For these reasons, this variant has been classified as Uncertain Significance.